The following is an entry in ClinVar:

ClinVar aggregate classification (germline): Benign/Likely benign. Review status: criteria provided, multiple submitters, no conflicts (2 of 4 stars). 3 submissions from 3 submitters: Benign (1); Likely benign (2). Last evaluated 2024-09-20.

Conditions:
Hereditary diffuse gastric adenocarcinoma (HDGC). Also called: DIFFUSE GASTRIC AND LOBULAR BREAST CANCER SYNDROME. Identifiers: Orphanet 26106, MedGen C1708349, MONDO:0007648, OMIM 137215.
Hereditary cancer-predisposing syndrome. Also called: Neoplastic Syndromes, Hereditary; Hereditary Cancer Syndrome; Tumor predisposition; Hereditary neoplastic syndrome. Identifiers: Orphanet 140162, MedGen C0027672, MeSH D009386, MONDO:0015356.

gnomAD v4.1: 1 of 1,613,160 alleles (0.000062%); highest among the groups gnomAD compares: Non-Finnish European, 0.000085%; no homozygotes.

Submissions (3):

Myriad Genetics, Inc.
Classification: Benign for Hereditary diffuse gastric adenocarcinoma. Last evaluated: 2024-09-20. Review status: criteria provided, single submitter. Criteria: Myriad Autosomal Dominant, Autosomal Recessive and X-Linked Classification Criteria (2023). Collection method: clinical testing. Allele origin: unknown.
Comment: This variant is considered benign. This variant is a silent/synonymous amino acid change and it is not expected to impact splicing.

Labcorp Genetics (formerly Invitae), Labcorp
Classification: Likely benign for Hereditary diffuse gastric adenocarcinoma. Last evaluated: 2024-02-17. Review status: criteria provided, single submitter. Criteria: Invitae Variant Classification Sherloc (09022015). Collection method: clinical testing. Allele origin: germline.

Ambry Genetics
Classification: Likely benign for Hereditary cancer-predisposing syndrome. Last evaluated: 2021-03-25. Review status: criteria provided, single submitter. Criteria: Ambry Variant Classification Scheme 2023. Collection method: clinical testing. Allele origin: germline.

NM_004360.5(CDH1):c.2133G>A (p.Leu711=)

Gene: CDH1 (cadherin 1; plus strand). Cytogenetic location: 16q22.1.
Variant type: single nucleotide variant.
Coding change: c.2133G>A on transcript NM_004360.5 (MANE Select); coding-DNA position 2133, G replaced by A.
Protein change: p.Leu711=; no amino-acid change (leucine 711 retained).
Molecular consequence: synonymous variant.
Genome position (GRCh38, 1-based): chr16:68,823,595, G>A. VCF-style: chr16-68823595-G-A. GRCh37 (hg19) VCF-style: chr16-68857498-G-A.
Other names: c.1950G>A, p.Leu650= (NM_001317184.2); c.585G>A, p.Leu195= (NM_001317185.2); c.168G>A, p.Leu56= (NM_001317186.2).
Identifiers: ClinVar variation 1510723 (VCV001510723.9), dbSNP rs2152139627, ClinGen allele CA496392474.